The following is an entry in ClinVar:

NM_004006.3(DMD):c.1687del (p.Arg563fs)

Gene: DMD (dystrophin; minus strand). Cytogenetic location: Xp21.1.
Variant type: Deletion.
Coding change: c.1687del on transcript NM_004006.3 (MANE Select); coding-DNA position 1687, one base deleted (C; older notation c.1687delC).
Protein change: p.Arg563fs; shifts the reading frame from arginine 563.
Molecular consequence: frameshift variant.
Genome position (GRCh38, 1-based): chrX:32,573,762, G deleted on the plus strand (C on the coding strand, the reverse complement: DMD is on the minus strand). VCF-style (leftmost placement, unchanged base first): chrX-32573761-CG-C. GRCh37 (hg19) VCF-style: chrX-32591878-CG-C.
Other names: c.1663del, p.Arg555fs (NM_000109.4); c.1675del, p.Arg559fs (NM_004009.3); c.1318del, p.Arg440fs (NM_004010.3); short protein forms R440fs, R555fs, R559fs, R563fs.
Identifiers: ClinVar variation 4720973 (VCV004720973.1).

ClinVar aggregate classification (germline): Pathogenic (1 of 4 stars; one submission).

Conditions:
Duchenne muscular dystrophy (DMD). Also called: MUSCULAR DYSTROPHY, PSEUDOHYPERTROPHIC PROGRESSIVE, DUCHENNE TYPE; Duchenne Muscular Dystrophy (DMD). Identifiers: Orphanet 98896, MedGen C0013264, MONDO:0010679, OMIM 310200.

Submission:

Labcorp Genetics (formerly Invitae), Labcorp
Classification: Pathogenic for Duchenne muscular dystrophy. Last evaluated: 2026-01-22. Review status: criteria provided, single submitter. Criteria: Invitae Variant Classification Sherloc (09022015). Collection method: clinical testing. Allele origin: germline.
Comment: This sequence change creates a premature translational stop signal (p.Arg563Valfs*20) in the DMD gene. It is expected to result in an absent or disrupted protein product. Loss-of-function variants in DMD are known to be pathogenic (PMID: 16770791, 25007885). This variant is not present in population databases (gnomAD no frequency). This variant has not been reported in the literature in individuals affected with DMD-related conditions. Algorithms developed to predict the effect of sequence changes on RNA splicing suggest that this variant may create or strengthen a splice site. For these reasons, this variant has been classified as Pathogenic.

Literature cited by the submitters: PubMed 16770791; PubMed 25007885.